The following is an entry in ClinVar:

ClinVar aggregate classification (germline): Conflicting classifications of pathogenicity. Review status: criteria provided, conflicting classifications (1 of 4 stars). 2 submissions from 2 submitters: Pathogenic (1); Uncertain significance (1). Last evaluated 2025-03-20.

Submissions (2):

GeneDx
Classification: Pathogenic. Last evaluated: 2025-03-20. Review status: criteria provided, single submitter. Criteria: GeneDx Variant Classification Process June 2021. Collection method: clinical testing. Allele origin: germline. Affected: yes.
Comment: Not observed at significant frequency in large population cohorts (gnomAD); In silico analysis supports that this missense variant has a deleterious effect on protein structure/function; Has not been previously published as pathogenic or benign to our knowledge

Labcorp Genetics (formerly Invitae), Labcorp
Classification: Uncertain significance. Last evaluated: 2023-02-28. Review status: criteria provided, single submitter. Criteria: Invitae Variant Classification Sherloc (09022015). Collection method: clinical testing. Allele origin: germline.
Comment: This sequence change replaces arginine, which is basic and polar, with cysteine, which is neutral and slightly polar, at codon 3738 of the HUWE1 protein (p.Arg3738Cys). In summary, the available evidence is currently insufficient to determine the role of this variant in disease. Therefore, it has been classified as a Variant of Uncertain Significance. Advanced modeling of protein sequence and biophysical properties (such as structural, functional, and spatial information, amino acid conservation, physicochemical variation, residue mobility, and thermodynamic stability) has been performed at Invitae for this missense variant, however the output from this modeling did not meet the statistical confidence thresholds required to predict the impact of this variant on HUWE1 protein function. This variant has not been reported in the literature in individuals affected with HUWE1-related conditions. This variant is not present in population databases (gnomAD no frequency).

NM_031407.7(HUWE1):c.11212C>T (p.Arg3738Cys)

Gene: HUWE1 (HECT, UBA and WWE domain containing E3 ubiquitin protein ligase 1; minus strand). Cytogenetic location: Xp11.22.
Variant type: single nucleotide variant.
Coding change: c.11212C>T on transcript NM_031407.7 (MANE Select); coding-DNA position 11212, C replaced by T.
Protein change: p.Arg3738Cys; replaces arginine 3738 with cysteine.
Molecular consequence: missense variant.
Genome position (GRCh38, 1-based): chrX:53,544,599, G>A on the plus strand (C>T on the coding strand, the complement: HUWE1 is on the minus strand). VCF-style: chrX-53544599-G-A. GRCh37 (hg19) VCF-style: chrX-53571560-G-A.
Other names: c.11212C>T (NM_031407.4); short protein forms R3738C.
Identifiers: ClinVar variation 2841654 (VCV002841654.4), dbSNP rs2522875386, ClinGen allele CA413165533.